The following is an entry in ClinVar:

NM_001127198.5(TMC6):c.991A>G (p.Arg331Gly)

Gene: TMC6 (transmembrane channel like 6; minus strand). Cytogenetic location: 17q25.3.
Variant type: single nucleotide variant.
Coding change: c.991A>G on transcript NM_001127198.5 (MANE Select); coding-DNA position 991, A replaced by G.
Protein change: p.Arg331Gly; replaces arginine 331 with glycine.
Molecular consequence: missense variant.
Genome position (GRCh38, 1-based): chr17:78,124,080, T>C on the plus strand (A>G on the coding strand, the complement: TMC6 is on the minus strand). VCF-style: chr17-78124080-T-C. GRCh37 (hg19) VCF-style: chr17-76120161-T-C.
Other names: c.991A>G, p.Arg331Gly (NM_001321185.1, NM_001374593.1, NM_001374594.1 and 4 more transcripts); short protein forms R331G.
Identifiers: ClinVar variation 961983 (VCV000961983.8), dbSNP rs2074569792, ClinGen allele CA401232052.
Genomic context (GRCh38, chr17:78,124,080, plus strand): 5'-AGCTCACGCCCACAGTGGAGAGGTAGGCCAGGGGCATGTTGTAGGGCAGGCCACCCACCC[T>C]GGGTGTGCACTGGCTGCCATCCAGGGGGCTGCCACACGGCTGGTTCAGCGTGGCGTTACT-3'
Protein context (NP_001120670.1, residues 321-341): SPLDGSQCTP[Arg331Gly]VGGLPYNMPL

ClinVar aggregate classification (germline): Uncertain significance (1 of 4 stars; one submission).

Conditions:
Epidermodysplasia verruciformis. Identifiers: Orphanet 302, MedGen C0014522, MONDO:0009176.

gnomAD v4.1: 3 of 1,613,392 alleles (0.00019%); highest among the groups gnomAD compares: Non-Finnish European, 0.00017%; no homozygotes.

Submission:

Labcorp Genetics (formerly Invitae), Labcorp
Classification: Uncertain significance for Epidermodysplasia verruciformis. Last evaluated: 2019-09-19. Review status: criteria provided, single submitter. Criteria: Invitae Variant Classification Sherloc (09022015). Collection method: clinical testing. Allele origin: germline.
Comment: In summary, the available evidence is currently insufficient to determine the role of this variant in disease. Therefore, it has been classified as a Variant of Uncertain Significance. Algorithms developed to predict the effect of missense changes on protein structure and function output the following: SIFT: "Tolerated"; PolyPhen-2: "Benign"; Align-GVGD: "Class C0". The glycine amino acid residue is found in multiple mammalian species, suggesting that this missense change does not adversely affect protein function. These predictions have not been confirmed by published functional studies and their clinical significance is uncertain. This variant has not been reported in the literature in individuals with TMC6-related conditions. This variant is not present in population databases (ExAC no frequency). This sequence change replaces arginine with glycine at codon 331 of the TMC6 protein (p.Arg331Gly). The arginine residue is weakly conserved and there is a moderate physicochemical difference between arginine and glycine .